The following is an entry in ClinVar:

ClinVar aggregate classification (germline): Uncertain significance. Review status: criteria provided, multiple submitters, no conflicts (2 of 4 stars). 2 submissions from 2 submitters: Uncertain significance (2). Last evaluated 2025-06-22.

Conditions:
Hydrocephalus, nonsyndromic, autosomal recessive 2. Also called: Hydrocephalus, congenital, 2, with or without brain or eye anomalies. Identifiers: Orphanet 2185, MedGen C3554691, MONDO:0014085, OMIM 615219.

Allele frequency attached by ClinVar (database versions not stated): gnomAD 0.00001 and 0.00006; TOPMed 0.00002; gnomAD exomes 0.00012; ExAC 0.00017; 1000 Genomes Project 30x 0.00062; 1000 Genomes Project 0.00100.
gnomAD v4.1: 76 of 1,612,900 alleles (0.0047%); highest among the groups gnomAD compares: South Asian, 0.068%; no homozygotes.

Submissions (2):

Labcorp Genetics (formerly Invitae), Labcorp
Classification: Uncertain significance. Last evaluated: 2025-06-22. Review status: criteria provided, single submitter. Criteria: Invitae Variant Classification Sherloc (09022015). Collection method: clinical testing. Allele origin: germline.
Comment: This sequence change replaces asparagine, which is neutral and polar, with serine, which is neutral and polar, at codon 99 of the MPDZ protein (p.Asn99Ser). The frequency data for this variant in the population databases is considered unreliable, as metrics indicate poor data quality at this position in the gnomAD database. This variant has not been reported in the literature in individuals affected with MPDZ-related conditions. ClinVar contains an entry for this variant (Variation ID: 1420417). An algorithm developed to predict the effect of missense changes on protein structure and function (PolyPhen-2) suggests that this variant is likely to be tolerated. Algorithms developed to predict the effect of sequence changes on RNA splicing suggest that this variant may create or strengthen a splice site. In summary, the available evidence is currently insufficient to determine the role of this variant in disease. Therefore, it has been classified as a Variant of Uncertain Significance.

Daryl Scott Lab, Baylor College of Medicine
Classification: Uncertain significance for Hydrocephalus, nonsyndromic, autosomal recessive 2. Last evaluated: 2024-01-01. Review status: criteria provided, single submitter. Criteria: ACMG Guidelines, 2015. Collection method: clinical testing. Allele origin: biparental. Observed: 1 homozygote.
Comment: PM2

NM_001378778.1(MPDZ):c.296A>G (p.Asn99Ser)

Gene: MPDZ (multiple PDZ domain crumbs cell polarity complex component; minus strand). Cytogenetic location: 9p23.
Variant type: single nucleotide variant.
Coding change: c.296A>G on transcript NM_001378778.1 (MANE Select); coding-DNA position 296, A replaced by G.
Protein change: p.Asn99Ser; replaces asparagine 99 with serine.
Molecular consequence: missense variant.
Genome position (GRCh38, 1-based): chr9:13,224,471, T>C on the plus strand (A>G on the coding strand, the complement: MPDZ is on the minus strand). VCF-style: chr9-13224471-T-C. GRCh37 (hg19) VCF-style: chr9-13224470-T-C.
Other names: c.296A>G, p.Asn99Ser (NM_001261406.2, NM_001261407.2, NM_001330637.2 and 14 more transcripts); short protein forms N99S.
Identifiers: ClinVar variation 1420417 (VCV001420417.7), dbSNP rs545147875, ClinGen allele CA4988167.
Genomic context (GRCh38, chr9:13,224,471, plus strand): 5'-CAAGCAGGTTTCCCATTAATGTGTGGAATACCAGGTCCTGTAAGTGCTTCCAGATTCCCA[T>C]TGTTTGGGGATAATAAAAACGATTCATTTTGCAGAGTAGGAATCACAGCTGGGCTGAGAT-3'
Protein context (NP_001365707.1, residues 89-109): QNESFLLSPN[Asn99Ser]GNLEALTGPG